The following is an entry in ClinVar:

ClinVar aggregate classification (germline): Conflicting classifications of pathogenicity. Review status: criteria provided, conflicting classifications (1 of 4 stars). 14 submissions from 13 submitters: Uncertain significance (2); Benign (7); Likely benign (2). 3 of the submissions do not count toward it. Last evaluated 2026-09-01.

Conditions:
Meckel-Gruber syndrome. Also called: DYSENCEPHALIA SPLANCHNOCYSTICA; GRUBER SYNDROME; Dysencephalia splachnocystica. Identifiers: Orphanet 564, MedGen C0265215, MONDO:0018921.
Joubert syndrome. Also called: Familial aplasia of the vermis; JOUBERT-BOLTSHAUSER SYNDROME. Identifiers: Orphanet 475, MedGen C5979921, MONDO:0018772.
Meckel syndrome, type 6. Identifiers: Orphanet 564, MedGen C2676790, MONDO:0012848, OMIM 612284.
Joubert syndrome 9 (JBTS9). Identifiers: Orphanet 2318, MedGen C2676788, MONDO:0012849, OMIM 612285.

Allele frequency attached by ClinVar (database versions not stated): 1000 Genomes Project 30x 0.00219; 1000 Genomes Project 0.00280; TOPMed 0.00585; gnomAD 0.00630 and 0.00644; gnomAD exomes 0.00644 and 0.00882; ExAC 0.00741; ESP Exome Variant Server 0.00749.
gnomAD v4.1: 13,622 of 1,602,406 alleles (0.85%); highest among the groups gnomAD compares: Non-Finnish European, 1%; 71 homozygotes.

Submissions (14):

CeGaT Center for Human Genetics Tuebingen
Classification: Benign. Last evaluated: 2026-09-01. Review status: criteria provided, single submitter. Criteria: CeGaT Center For Human Genetics Tuebingen Variant Classification Criteria Version 2. Collection method: clinical testing. Allele origin: germline. Affected: yes. Observed: 24 variant alleles.
Comment: CC2D2A: BS1, BS2

Labcorp Genetics (formerly Invitae), Labcorp
Classification: Benign for Joubert syndrome; Meckel-Gruber syndrome. Last evaluated: 2026-02-04. Review status: criteria provided, single submitter. Criteria: Invitae Variant Classification Sherloc (09022015). Collection method: clinical testing. Allele origin: germline.

Blueprint Genetics
Classification: Likely benign. Last evaluated: 2024-11-26. Review status: criteria provided, single submitter. Criteria: ACMG Guidelines, 2015. Collection method: clinical testing. Allele origin: germline.

Mayo Clinic Laboratories, Mayo Clinic
Classification: Benign. Last evaluated: 2023-07-06. Review status: criteria provided, single submitter. Criteria: ACMG Guidelines, 2015. Collection method: clinical testing. Allele origin: germline. Observed: 17 variant alleles.
Comment: BS1, BS2

GeneDx
Classification: Benign. Last evaluated: 2017-07-25. Review status: criteria provided, single submitter. Criteria: GeneDx Variant Classification (06012015). Collection method: clinical testing. Allele origin: germline. Affected: yes.
Comment: This variant is considered likely benign or benign based on one or more of the following criteria: it is a conservative change, it occurs at a poorly conserved position in the protein, it is predicted to be benign by multiple in silico algorithms, and/or has population frequency not consistent with disease.

Illumina Laboratory Services, Illumina
Classification: Uncertain significance for Joubert syndrome 9. Last evaluated: 2017-04-27. Review status: criteria provided, single submitter. Criteria: ICSL Variant Classification Criteria 13 December 2019. Collection method: clinical testing. Allele origin: germline.
Comment: This variant was observed as part of a predisposition screen in an ostensibly healthy population. A literature search was performed for the gene, cDNA change, and amino acid change (where applicable). Publications were found based on this search. However, the evidence from the literature, in combination with allele frequency data from public databases where available, was not sufficient to rule this variant in or out of causing disease. Therefore, this variant is classified as a variant of unknown significance.

Illumina Laboratory Services, Illumina
Classification: Uncertain significance for Meckel syndrome, type 6. Last evaluated: 2017-04-27. Review status: criteria provided, single submitter. Criteria: ICSL Variant Classification Criteria 13 December 2019. Collection method: clinical testing. Allele origin: germline.

Center for Pediatric Genomic Medicine, Children's Mercy Hospital and Clinics
Classification: Likely benign. Last evaluated: 2016-11-30. Review status: criteria provided, single submitter. Criteria: ACMG Guidelines, 2015. Collection method: clinical testing. Allele origin: germline.
ClinVar note: Converted during submission from Likely Benign to Likely benign.

Eurofins Ntd Llc (ga)
Classification: Benign. Last evaluated: 2015-05-22. Review status: criteria provided, single submitter. Criteria: EGL Classification Definitions 2015. Collection method: clinical testing. Allele origin: germline.

Genetic Services Laboratory, University of Chicago
Classification: Benign for AllHighlyPenetrant. Last evaluated: 2014-01-03. Review status: criteria provided, single submitter. Criteria: ACMG Guidelines, 2007. Collection method: clinical testing. Allele origin: germline. Inheritance: Autosomal recessive inheritance. Observed: 1 variant allele.

PreventionGenetics, part of Exact Sciences
Classification: Benign. Review status: criteria provided, single submitter. Criteria: ACMG Guidelines, 2015. Collection method: clinical testing. Allele origin: germline.

Clinical Genetics, Academic Medical Center
Classification: Benign. Review status: no assertion criteria provided. Collection method: clinical testing. Allele origin: germline. Affected: yes. Study: VKGL Data-share Consensus. Not counted in ClinVar's aggregate classification.

Genome Diagnostics Laboratory, University Medical Center Utrecht
Classification: Benign. Review status: no assertion criteria provided. Collection method: clinical testing. Allele origin: germline. Affected: yes. Study: VKGL Data-share Consensus. Not counted in ClinVar's aggregate classification.

Laboratory of Diagnostic Genome Analysis, Leiden University Medical Center (LUMC)
Classification: Likely benign. Review status: no assertion criteria provided. Collection method: clinical testing. Allele origin: germline. Affected: yes. Study: VKGL Data-share Consensus. Not counted in ClinVar's aggregate classification.

Literature cited by the submitters: PubMed 22241855 (cited by Illumina Laboratory Services, Illumina); PubMed 21068128 (cited by Illumina Laboratory Services, Illumina); PubMed 21370303 (cited by Illumina Laboratory Services, Illumina).

NM_001378615.1(CC2D2A):c.1519A>G (p.Lys507Glu)

Genes: CC2D2A (coiled-coil and C2 domain containing 2A; plus strand), FBXL5 (F-box and leucine rich repeat protein 5; minus strand). Cytogenetic location: 4p15.32.
Variant type: single nucleotide variant.
Coding change: c.1519A>G on transcript NM_001378615.1 (MANE Select); coding-DNA position 1519, A replaced by G.
Protein change: p.Lys507Glu; replaces lysine 507 with glutamic acid.
Molecular consequence: missense variant.
Genome position (GRCh38, 1-based): chr4:15,533,245, A>G. VCF-style: chr4-15533245-A-G. GRCh37 (hg19) VCF-style: chr4-15534868-A-G.
Other names: c.1519A>G, p.Lys507Glu (NM_001080522.2); c.1372A>G, p.Lys458Glu (NM_001378617.1); short protein forms K507E, K458E.
Identifiers: ClinVar variation 126228 (VCV000126228.63), dbSNP rs144439937, ClinGen allele CA150849.